The following is an entry in ClinVar:

ClinVar aggregate classification (germline): Uncertain significance (1 of 4 stars; one submission).

gnomAD v4.1: 1 of 1,614,030 alleles (0.000062%); highest among the groups gnomAD compares: African/African-American, 0.0013%; no homozygotes.

Submission:

Dasa
Classification: Uncertain significance. Last evaluated: 2024-09-10. Review status: criteria provided, single submitter. Criteria: DASA Assertion Criteria. Collection method: clinical testing. Allele origin: germline.
Comment: NM_001379180.1(ESRRB):c.416C>A (p.Ala139Asp) is a missense variant that results in the substitution of alanine with aspartic acid. This variant is rare in population databases. Computational prediction algorithms are consistent with a deleterious effect. The currently available literature and clinical evidence are not sufficient to establish a definitive association between this variant and the reported condition. Therefore, this variant is classified as a variant of uncertain significance.

NM_001379180.1(ESRRB):c.416C>A (p.Ala139Asp)

Gene: ESRRB (estrogen related receptor beta; plus strand). Cytogenetic location: 14q24.3.
Variant type: single nucleotide variant.
Coding change: c.416C>A on transcript NM_001379180.1 (MANE Select); coding-DNA position 416, C replaced by A.
Protein change: p.Ala139Asp; replaces alanine 139 with aspartic acid.
Molecular consequence: missense variant.
Genome position (GRCh38, 1-based): chr14:76,439,706, C>A. VCF-style: chr14-76439706-C-A. GRCh37 (hg19) VCF-style: chr14-76906049-C-A.
Other names: c.368C>A, p.Ala123Asp (NM_001411038.1); c.353C>A, p.Ala118Asp (NM_004452.4); short protein forms A118D, A123D, A139D.
Identifiers: ClinVar variation 4882963 (VCV004882963.2).